The following is an entry in ClinVar:

NM_001367721.1(CASK):c.1469del (p.Leu490fs)

Gene: CASK (calcium/calmodulin dependent serine protein kinase; minus strand). Cytogenetic location: Xp11.4.
Variant type: Deletion.
Coding change: c.1469del on transcript NM_001367721.1 (MANE Select); coding-DNA position 1469, one base deleted (T; older notation c.1469delT).
Protein change: p.Leu490fs; shifts the reading frame from leucine 490.
Molecular consequence: frameshift variant.
Genome position (GRCh38, 1-based): chrX:41,578,374, A deleted on the plus strand (T on the coding strand, the reverse complement: CASK is on the minus strand). VCF-style (leftmost placement, unchanged base first): chrX-41578373-CA-C. GRCh37 (hg19) VCF-style: chrX-41437626-CA-C.
Other names: c.1469del, p.Leu490fs (NM_001126054.3, NM_003688.4); c.1451del, p.Leu484fs (NM_001126055.3, NM_001410745.1); short protein forms L484fs, L490fs.
Identifiers: ClinVar variation 2580660 (VCV002580660.1), dbSNP rs2519818462, ClinGen allele CA2580618169.

ClinVar aggregate classification (germline): Pathogenic (1 of 4 stars; one submission).

Submission:

GeneDx
Classification: Pathogenic. Last evaluated: 2023-03-24. Review status: criteria provided, single submitter. Criteria: GeneDx Variant Classification Process June 2021. Collection method: clinical testing. Allele origin: germline. Affected: yes.
Comment: Frameshift variant predicted to result in protein truncation or nonsense mediated decay in a gene for which loss of function is a known mechanism of disease; Not observed at significant frequency in large population cohorts (gnomAD); This variant is associated with the following publications: (PMID: 29778030)